The following is an entry in ClinVar:

NM_004655.4(AXIN2):c.1167C>T (p.His389=)

Gene: AXIN2 (axin 2; minus strand). Cytogenetic location: 17q24.1.
Variant type: single nucleotide variant.
Coding change: c.1167C>T on transcript NM_004655.4 (MANE Select); coding-DNA position 1167, C replaced by T.
Protein change: p.His389=; no amino-acid change (histidine 389 retained).
Molecular consequence: synonymous variant.
Genome position (GRCh38, 1-based): chr17:65,538,236, G>A on the plus strand (C>T on the coding strand, the complement: AXIN2 is on the minus strand). VCF-style: chr17-65538236-G-A. GRCh37 (hg19) VCF-style: chr17-63534354-G-A.
Other names: c.1167C>T, p.His389= (NM_001363813.1); c.1167C>T (NM_004655.3).
Identifiers: ClinVar variation 1107446 (VCV001107446.11), dbSNP rs2043978734, ClinGen allele CA501476281.

ClinVar aggregate classification (germline): Benign/Likely benign. Review status: criteria provided, multiple submitters, no conflicts (2 of 4 stars). 3 submissions from 3 submitters: Benign (1); Likely benign (2). Last evaluated 2025-10-05.

Conditions:
Hereditary cancer-predisposing syndrome. Also called: Tumor predisposition; Neoplastic Syndromes, Hereditary; Hereditary Cancer Syndrome; Hereditary neoplastic syndrome. Identifiers: Orphanet 140162, MedGen C0027672, MeSH D009386, MONDO:0015356.
Oligodontia-cancer predisposition syndrome. Also called: TOOTH AGENESIS-COLORECTAL CANCER SYNDROME. Identifiers: Orphanet 300576, MedGen C1837750, MONDO:0012075, OMIM 608615. Disease mechanism: loss of function.

Allele frequency attached by ClinVar (database versions not stated): gnomAD exomes below 0.00001.
gnomAD v4.1: 2 of 1,614,210 alleles (0.00012%); highest among the groups gnomAD compares: Non-Finnish European, 0.00017%; no homozygotes.

Submissions (3):

Labcorp Genetics (formerly Invitae), Labcorp
Classification: Likely benign for Oligodontia-cancer predisposition syndrome. Last evaluated: 2025-10-05. Review status: criteria provided, single submitter. Criteria: Invitae Variant Classification Sherloc (09022015). Collection method: clinical testing. Allele origin: germline.

Myriad Genetics, Inc.
Classification: Benign for Oligodontia-cancer predisposition syndrome. Last evaluated: 2024-07-01. Review status: criteria provided, single submitter. Criteria: Myriad Autosomal Dominant, Autosomal Recessive and X-Linked Classification Criteria (2023). Collection method: clinical testing. Allele origin: unknown.
Comment: This variant is considered benign. This variant is a silent/synonymous amino acid change and it is not expected to impact splicing.

Ambry Genetics
Classification: Likely benign for Hereditary cancer-predisposing syndrome. Last evaluated: 2023-10-09. Review status: criteria provided, single submitter. Criteria: Ambry Variant Classification Scheme 2023. Collection method: clinical testing. Allele origin: germline.